The following is an entry in ClinVar:

NM_000213.5(ITGB4):c.2869G>T (p.Glu957Ter)

Gene: ITGB4 (integrin subunit beta 4; plus strand). Cytogenetic location: 17q25.1.
Variant type: single nucleotide variant.
Coding change: c.2869G>T on transcript NM_000213.5 (MANE Select); coding-DNA position 2869, G replaced by T.
Protein change: p.Glu957Ter; replaces glutamic acid 957 with a stop codon.
Molecular consequence: nonsense.
Genome position (GRCh38, 1-based): chr17:75,742,668, G>T. VCF-style: chr17-75742668-G-T. GRCh37 (hg19) VCF-style: chr17-73738749-G-T.
Other names: c.2869G>T, p.Glu957Ter (NM_001005619.2, NM_001005731.3, NM_001321123.2); short protein forms E957*.
Identifiers: ClinVar variation 3007929 (VCV003007929.3), dbSNP rs781683063, ClinGen allele CA401069455.

ClinVar aggregate classification (germline): Pathogenic (1 of 4 stars; one submission).

Submission:

Labcorp Genetics (formerly Invitae), Labcorp
Classification: Pathogenic. Last evaluated: 2024-01-19. Review status: criteria provided, single submitter. Criteria: Invitae Variant Classification Sherloc (09022015). Collection method: clinical testing. Allele origin: germline.
Comment: This sequence change creates a premature translational stop signal (p.Glu957*) in the ITGB4 gene. It is expected to result in an absent or disrupted protein product. Loss-of-function variants in ITGB4 are known to be pathogenic (PMID: 11328943, 16473856). This variant is not present in population databases (gnomAD no frequency). This variant has not been reported in the literature in individuals affected with ITGB4-related conditions. For these reasons, this variant has been classified as Pathogenic.

Literature cited by the submitters: PubMed 11328943; PubMed 16473856.